The following is an entry in ClinVar:

NM_004612.4(TGFBR1):c.1387-8T>C

Gene: TGFBR1 (transforming growth factor beta receptor 1; plus strand). Cytogenetic location: 9q22.33.
Variant type: single nucleotide variant.
Coding change: c.1387-8T>C on transcript NM_004612.4 (MANE Select); 8 bases into the intron before coding-DNA position 1387, T replaced by C.
Molecular consequence: intron variant.
Genome position (GRCh38, 1-based): chr9:99,149,172, T>C. VCF-style: chr9-99149172-T-C. GRCh37 (hg19) VCF-style: chr9-101911454-T-C.
Other names: c.1399-8T>C (NM_001306210.2); c.1156-8T>C (NM_001130916.3).
Identifiers: ClinVar variation 1579749 (VCV001579749.9), dbSNP rs768669432, ClinGen allele CA040765.

ClinVar aggregate classification (germline): Likely benign. Review status: criteria provided, multiple submitters, no conflicts (2 of 4 stars). 2 submissions from 2 submitters: Likely benign (2). Last evaluated 2024-02-22.

Conditions:
Loeys-Dietz syndrome (LDS). Identifiers: Orphanet 60030, MedGen C2697932, MONDO:0018954.
Familial thoracic aortic aneurysm and aortic dissection (TAAD). Also called: Thoracic aortic aneurysms and dissections. Identifiers: Orphanet 91387, MedGen C4707243, MONDO:0019625.

Allele frequency attached by ClinVar (database versions not stated): gnomAD 0.00001; gnomAD exomes 0.00001; ExAC 0.00004.
gnomAD v4.1: 8 of 1,593,768 alleles (0.0005%); highest among the groups gnomAD compares: Middle Eastern, 0.017%; no homozygotes.

Submissions (2):

All of Us Research Program, National Institutes of Health
Classification: Likely benign for Loeys-Dietz syndrome. Last evaluated: 2024-02-22. Review status: criteria provided, single submitter. Criteria: ACMG Guidelines, 2015. Collection method: clinical testing. Allele origin: germline. Inheritance: Autosomal dominant inheritance. Observed: 1 variant allele, 1 heterozygote.
Comment: This study involves interpretation of variants in research participants for the purpose of population health screening. Participant phenotype was not available at the time of variant classification. Additional details can be found in publication PMID: 35346344, PMCID: PMC8962531

Labcorp Genetics (formerly Invitae), Labcorp
Classification: Likely benign for Familial thoracic aortic aneurysm and aortic dissection. Last evaluated: 2023-12-15. Review status: criteria provided, single submitter. Criteria: Invitae Variant Classification Sherloc (09022015). Collection method: clinical testing. Allele origin: germline.